The following is an entry in ClinVar:

NM_020693.4(DSCAML1):c.1414G>A (p.Val472Ile)

Gene: DSCAML1 (DS cell adhesion molecule like 1; minus strand). Cytogenetic location: 11q23.3.
Variant type: single nucleotide variant.
Coding change: c.1414G>A on transcript NM_020693.4 (MANE Select); coding-DNA position 1414, G replaced by A.
Protein change: p.Val472Ile; replaces valine 472 with isoleucine.
Molecular consequence: missense variant.
Genome position (GRCh38, 1-based): chr11:117,518,562, C>T on the plus strand (G>A on the coding strand, the complement: DSCAML1 is on the minus strand). VCF-style: chr11-117518562-C-T. GRCh37 (hg19) VCF-style: chr11-117389277-C-T.
Other names: c.1414G>A, p.Val472Ile (NM_001367904.1); c.1006G>A, p.Val336Ile (NM_001367905.1); short protein forms V336I, V472I.
Identifiers: ClinVar variation 2192025 (VCV002192025.4), dbSNP rs748297167, ClinGen allele CA6297268.

ClinVar aggregate classification (germline): Uncertain significance (1 of 4 stars; one submission).

Allele frequency attached by ClinVar (database versions not stated): gnomAD exomes 0.00001; ExAC 0.00002; gnomAD 0.00003; TOPMed 0.00008.
gnomAD v4.1: 14 of 1,614,064 alleles (0.00087%); highest among the groups gnomAD compares: East Asian, 0.013%; no homozygotes.

Submission:

Labcorp Genetics (formerly Invitae), Labcorp
Classification: Uncertain significance. Last evaluated: 2025-04-24. Review status: criteria provided, single submitter. Criteria: Invitae Variant Classification Sherloc (09022015). Collection method: clinical testing. Allele origin: germline.
Comment: This sequence change replaces valine, which is neutral and non-polar, with isoleucine, which is neutral and non-polar, at codon 532 of the DSCAML1 protein (p.Val532Ile). This variant is present in population databases (rs748297167, gnomAD 0.02%). This variant has not been reported in the literature in individuals affected with DSCAML1-related conditions. ClinVar contains an entry for this variant (Variation ID: 2192025). An algorithm developed to predict the effect of missense changes on protein structure and function outputs the following: PolyPhen-2: "Benign". The isoleucine amino acid residue is found in multiple mammalian species, which suggests that this missense change does not adversely affect protein function. In summary, the available evidence is currently insufficient to determine the role of this variant in disease. Therefore, it has been classified as a Variant of Uncertain Significance.